The following is an entry in ClinVar:

NM_001987.5(ETV6):c.1009+2187T>A

Gene: ETV6 (ETS variant transcription factor 6; plus strand). Cytogenetic location: 12p13.2.
Variant type: single nucleotide variant.
Coding change: c.1009+2187T>A on transcript NM_001987.5 (MANE Select); 2187 bases into the intron after coding-DNA position 1009, T replaced by A.
Molecular consequence: intron variant.
Genome position (GRCh38, 1-based): chr12:11,872,156, T>A. VCF-style: chr12-11872156-T-A. GRCh37 (hg19) VCF-style: chr12-12025090-T-A.
Identifiers: ClinVar variation 1879226 (VCV001879226.29), dbSNP rs188386586, ClinGen allele CA232610217.

ClinVar aggregate classification (germline): Likely benign (1 of 4 stars; one submission).

Allele frequency attached by ClinVar (database versions not stated): 1000 Genomes Project 0.00020; 1000 Genomes Project 30x 0.00031; gnomAD 0.00135; TOPMed 0.00146.
gnomAD v4.1: 205 of 152,350 alleles (0.13%); highest among the groups gnomAD compares: Non-Finnish European, 0.26%; no homozygotes.

Submission:

CeGaT Center for Human Genetics Tuebingen
Classification: Likely benign. Last evaluated: 2025-08-01. Review status: criteria provided, single submitter. Criteria: CeGaT Center For Human Genetics Tuebingen Variant Classification Criteria Version 2. Collection method: clinical testing. Allele origin: germline. Affected: yes. Observed: 3 variant alleles.
Comment: ETV6: BS1